The following is an entry in ClinVar:

NM_001288739.2(DNM1):c.1263del (p.Glu422fs)

Gene: DNM1 (dynamin 1; plus strand). Cytogenetic location: 9q34.11.
Variant type: Deletion.
Coding change: c.1263del on transcript NM_001288739.2 (MANE Plus Clinical); coding-DNA position 1263, one base deleted (A; older notation c.1263delA).
Protein change: p.Glu422fs; shifts the reading frame from glutamic acid 422.
Molecular consequence: frameshift variant. On other transcripts: intron variant (3).
Genome position (GRCh38, 1-based): chr9:128,226,101, A deleted; the last of 3 consecutive A bases (chr9:128,226,099-128,226,101); deleting any one gives the same sequence. VCF-style (leftmost placement, unchanged base first): chr9-128226098-CA-C. GRCh37 (hg19) VCF-style: chr9-130988377-CA-C.
Other names: c.1263del, p.Glu422fs (NM_001288737.2, NM_001288738.2); c.1335+1712del (NM_001005336.3, NM_001374269.1, NM_004408.4); short protein forms E422fs.
Identifiers: ClinVar variation 5008940 (VCV005008940.1).

ClinVar aggregate classification (germline): Uncertain significance (1 of 4 stars; one submission).

Submission:

GeneDx
Classification: Uncertain significance. Last evaluated: 2026-03-16. Review status: criteria provided, single submitter. Criteria: GeneDx Variant Classification Process June 2021. Collection method: clinical testing. Allele origin: germline.
Comment: Not observed at significant frequency in large population cohorts (gnomAD); Reported using an alternate transcript of the gene; Frameshift variant predicted to result in protein truncation or nonsense mediated decay in a gene or region of a gene for which loss of function is not an established mechanism of disease; Has not been previously published as pathogenic or benign to our knowledge